The following is an entry in ClinVar:

ClinVar aggregate classification (germline): Uncertain significance (1 of 4 stars; one submission).

Conditions:
Spastic paraplegia. Identifiers: MedGen C0037772, HP:0001258.

Allele frequency attached by ClinVar (database versions not stated): gnomAD exomes below 0.00001.

Submission:

Labcorp Genetics (formerly Invitae), Labcorp
Classification: Uncertain significance for Spastic paraplegia. Last evaluated: 2022-04-18. Review status: criteria provided, single submitter. Criteria: Invitae Variant Classification Sherloc (09022015). Collection method: clinical testing. Allele origin: germline.
Comment: This sequence change replaces serine, which is neutral and polar, with proline, which is neutral and non-polar, at codon 131 of the B4GALNT1 protein (p.Ser131Pro). This variant is not present in population databases (gnomAD no frequency). This variant has not been reported in the literature in individuals affected with B4GALNT1-related conditions. Algorithms developed to predict the effect of missense changes on protein structure and function are either unavailable or do not agree on the potential impact of this missense change (SIFT: "Deleterious"; PolyPhen-2: "Possibly Damaging"; Align-GVGD: "Class C0"). In summary, the available evidence is currently insufficient to determine the role of this variant in disease. Therefore, it has been classified as a Variant of Uncertain Significance.

NM_001478.5(B4GALNT1):c.391T>C (p.Ser131Pro)

Gene: B4GALNT1 (beta-1,4-N-acetyl-galactosaminyltransferase 1; minus strand). Cytogenetic location: 12q13.3.
Variant type: single nucleotide variant.
Coding change: c.391T>C on transcript NM_001478.5 (MANE Select); coding-DNA position 391, T replaced by C.
Protein change: p.Ser131Pro; replaces serine 131 with proline.
Molecular consequence: missense variant.
Genome position (GRCh38, 1-based): chr12:57,631,079, A>G on the plus strand (T>C on the coding strand, the complement: B4GALNT1 is on the minus strand). VCF-style: chr12-57631079-A-G. GRCh37 (hg19) VCF-style: chr12-58024862-A-G.
Other names: c.226T>C, p.Ser76Pro (NM_001276468.2, NM_001413978.1); c.391T>C, p.Ser131Pro (NM_001276469.2, NM_001413967.1, NM_001413968.1 and 9 more transcripts); c.-597T>C (NM_001413981.1, NM_001413982.1, NM_001413983.1 and 1 more transcripts); short protein forms S131P, S76P.
Identifiers: ClinVar variation 1984058 (VCV001984058.4), dbSNP rs2540674946, ClinGen allele CA385501471.